The following is an entry in ClinVar:

NM_006612.6(KIF1C):c.646C>T (p.Arg216Cys)

Gene: KIF1C (kinesin family member 1C; plus strand). Cytogenetic location: 17p13.2.
Variant type: single nucleotide variant.
Coding change: c.646C>T on transcript NM_006612.6 (MANE Select); coding-DNA position 646, C replaced by T.
Protein change: p.Arg216Cys; replaces arginine 216 with cysteine.
Molecular consequence: missense variant.
Genome position (GRCh38, 1-based): chr17:5,002,768, C>T. VCF-style: chr17-5002768-C-T. GRCh37 (hg19) VCF-style: chr17-4906063-C-T.
Other names: short protein forms R216C.
Identifiers: ClinVar variation 423907 (VCV000423907.4), dbSNP rs1064796693, ClinGen allele CA16620467.

ClinVar aggregate classification (germline): Likely pathogenic. Review status: criteria provided, multiple submitters, no conflicts (2 of 4 stars). 3 submissions from 3 submitters: Likely pathogenic (2). 1 of the submissions does not count toward it. Last evaluated 2025-03-06.

Conditions:
Spastic ataxia 2. Also called: Ataxia, spastic, 2, autosomal recessive. Identifiers: Orphanet 397946, MedGen C1969796, MONDO:0012651, OMIM 611302.

Allele frequency attached by ClinVar (database versions not stated): gnomAD exomes below 0.00001; gnomAD 0.00001.

Submissions (3):

3billion
Classification: Likely pathogenic for Spastic ataxia 2. Last evaluated: 2025-03-06. Review status: criteria provided, single submitter. Criteria: ACMG Guidelines, 2015. Collection method: clinical testing. Allele origin: germline. Affected: yes.

GeneDx
Classification: Likely pathogenic. Last evaluated: 2018-08-15. Review status: criteria provided, single submitter. Criteria: GeneDx Variant Classification (06012015). Collection method: clinical testing. Allele origin: germline. Affected: yes.
Comment: The R216C variant in the KIF1C gene has been reported previously as a homozygous variant in an individual with spastic ataxia (Alfares et al., 2017). The R216C variant is not observed in large population cohorts (Lek et al., 2016). The R216C variant is a non-conservative amino acid substitution, which is likely to impact secondary protein structure as these residues differ in polarity, charge, size and/or other properties. In-silico analyses, including protein predictors and evolutionary conservation, support a deleterious effect. The R216C variant is in the motor domain of the KIF1C protein, where all reported missense variants are located to date (Caballero et al., 2014). We interpret R216C as a likely pathogenic variant.

Biochemical Molecular Genetic Laboratory, King Abdulaziz Medical City
Classification: Likely pathogenic for Spastic ataxia 2. Last evaluated: 2019-09-26. Review status: no assertion criteria provided. Collection method: clinical testing. Allele origin: germline. Affected: yes. Not counted in ClinVar's aggregate classification.

Literature cited by the submitters: PubMed 28454995 (cited by 3billion).